The following is an entry in ClinVar:

NM_016169.4(SUFU):c.776T>A (p.Ile259Asn)

Gene: SUFU (SUFU negative regulator of hedgehog signaling; plus strand). Cytogenetic location: 10q24.32.
Variant type: single nucleotide variant.
Coding change: c.776T>A on transcript NM_016169.4 (MANE Select); coding-DNA position 776, T replaced by A.
Protein change: p.Ile259Asn; replaces isoleucine 259 with asparagine.
Molecular consequence: missense variant.
Genome position (GRCh38, 1-based): chr10:102,597,159, T>A. VCF-style: chr10-102597159-T-A. GRCh37 (hg19) VCF-style: chr10-104356916-T-A.
Other names: c.776T>A, p.Ile259Asn (NM_001178133.2); short protein forms I259N.
Identifiers: ClinVar variation 4177562 (VCV004177562.1).
Genomic context (GRCh38, chr10:102,597,159, plus strand): 5'-TTCTCTGAAAGAACTCTGGCTCTTTGGTTCTTTTCAAGCAGGAGAGAGTTGACAAAGGCA[T>A]CGAGACAGATGGCTCCAACCTGAGTGGTGTCAGTGCCAAGTGTGCCTGGGATGACCTGAG-3'
Protein context (NP_057253.2, residues 249-269): PHLQERVDKG[Ile259Asn]ETDGSNLSGV

ClinVar aggregate classification (germline): Uncertain significance (1 of 4 stars; one submission).

Conditions:
Hereditary cancer-predisposing syndrome. Also called: Neoplastic Syndromes, Hereditary; Tumor predisposition; Hereditary Cancer Syndrome; Hereditary neoplastic syndrome. Identifiers: Orphanet 140162, MedGen C0027672, MeSH D009386, MONDO:0015356.

Submission:

Ambry Genetics
Classification: Uncertain significance for Hereditary cancer-predisposing syndrome. Last evaluated: 2025-09-10. Review status: criteria provided, single submitter. Criteria: Ambry Variant Classification Scheme 2023. Collection method: clinical testing. Allele origin: germline.
Comment: The p.I259N variant (also known as c.776T>A), located in coding exon 7 of the SUFU gene, results from a T to A substitution at nucleotide position 776. The isoleucine at codon 259 is replaced by asparagine, an amino acid with dissimilar properties. This amino acid position is conserved. In addition, the in silico prediction for this alteration is inconclusive. Based on the available evidence, the clinical significance of this variant remains unclear.